The following is an entry in ClinVar:

ClinVar aggregate classification (germline): Uncertain significance. Review status: criteria provided, multiple submitters, no conflicts (2 of 4 stars). 3 submissions from 3 submitters: Uncertain significance (3). Last evaluated 2025-05-07.

Conditions:
Loeys-Dietz syndrome (LDS). Identifiers: Orphanet 60030, MedGen C2697932, MONDO:0018954.
Familial thoracic aortic aneurysm and aortic dissection (TAAD). Also called: Thoracic aortic aneurysms and dissections. Identifiers: Orphanet 91387, MedGen C4707243, MONDO:0019625.

Allele frequency attached by ClinVar (database versions not stated): gnomAD exomes 0.00001.
gnomAD v4.1: 5 of 1,613,870 alleles (0.00031%); highest among the groups gnomAD compares: Non-Finnish European, 0.00042%; no homozygotes.

Submissions (3):

Labcorp Genetics (formerly Invitae), Labcorp
Classification: Uncertain significance for Familial thoracic aortic aneurysm and aortic dissection. Last evaluated: 2025-05-07. Review status: criteria provided, single submitter. Criteria: Invitae Variant Classification Sherloc (09022015). Collection method: clinical testing. Allele origin: germline.
Comment: This sequence change replaces tyrosine, which is neutral and polar, with cysteine, which is neutral and slightly polar, at codon 378 of the TGFBR1 protein (p.Tyr378Cys). This variant is not present in population databases (gnomAD no frequency). This variant has not been reported in the literature in individuals affected with TGFBR1-related conditions. ClinVar contains an entry for this variant (Variation ID: 1171266). An algorithm developed to predict the effect of missense changes on protein structure and function (PolyPhen-2) suggests that this variant is likely to be disruptive. In summary, the available evidence is currently insufficient to determine the role of this variant in disease. Therefore, it has been classified as a Variant of Uncertain Significance.

All of Us Research Program, National Institutes of Health
Classification: Uncertain significance for Loeys-Dietz syndrome. Last evaluated: 2023-12-01. Review status: criteria provided, single submitter. Criteria: ACMG Guidelines, 2015. Collection method: clinical testing. Allele origin: germline. Inheritance: Autosomal dominant inheritance. Observed: 1 variant allele, 1 heterozygote.
Comment: This missense variant replaces tyrosine with cysteine at codon 378 of the TGFBR1 protein. Computational prediction suggests that this variant may have deleterious impact on protein structure and function (internally defined REVEL score threshold >= 0.7, PMID: 27666373). To our knowledge, functional studies have not been reported for this variant. This variant has not been reported in individuals affected with cardiovascular disorders in the literature. This variant has not been identified in the general population by the Genome Aggregation Database (gnomAD). The available evidence is insufficient to determine the role of this variant in disease conclusively. Therefore, this variant is classified as a Variant of Uncertain Significance.

This study involves interpretation of variants in research participants for the purpose of population health screening. Participant phenotype was not available at the time of variant classification. Additional details can be found in publication PMID: 35346344, PMCID: PMC8962531

Color Diagnostics, LLC DBA Color Health
Classification: Uncertain significance for Familial thoracic aortic aneurysm and aortic dissection. Last evaluated: 2021-01-04. Review status: criteria provided, single submitter. Criteria: ACMG Guidelines, 2015. Collection method: clinical testing. Allele origin: germline.
Comment: This missense variant replaces tyrosine with cysteine at codon 378 of the TGFBR1 protein. Computational prediction suggests that this variant may have deleterious impact on protein structure and function (internally defined REVEL score threshold >= 0.7, PMID: 27666373). To our knowledge, functional studies have not been reported for this variant. This variant has not been reported in individuals affected with cardiovascular disorders in the literature. This variant has not been identified in the general population by the Genome Aggregation Database (gnomAD). The available evidence is insufficient to determine the role of this variant in disease conclusively. Therefore, this variant is classified as a Variant of Uncertain Significance.

NM_004612.4(TGFBR1):c.1133A>G (p.Tyr378Cys)

Gene: TGFBR1 (transforming growth factor beta receptor 1; plus strand). Cytogenetic location: 9q22.33.
Variant type: single nucleotide variant.
Coding change: c.1133A>G on transcript NM_004612.4 (MANE Select); coding-DNA position 1133, A replaced by G.
Protein change: p.Tyr378Cys; replaces tyrosine 378 with cysteine.
Molecular consequence: missense variant.
Genome position (GRCh38, 1-based): chr9:99,146,487, A>G. VCF-style: chr9-99146487-A-G. GRCh37 (hg19) VCF-style: chr9-101908769-A-G.
Other names: c.902A>G, p.Tyr301Cys (NM_001130916.3); c.1145A>G, p.Tyr382Cys (NM_001306210.2); short protein forms Y301C, Y378C, Y382C.
Identifiers: ClinVar variation 1171266 (VCV001171266.4), dbSNP rs2118826506, ClinGen allele CA374232571.
Genomic context (GRCh38, chr9:99,146,487, plus strand): 5'-ATCCAAATATGGCAGTAAGGGGATGATTTTCAAAGTTCTTTTTGCAAATTTTTTTTAGGT[A>G]CATGGCCCCTGAAGTTCTCGATGATTCCATAAATATGAAACATTTTGAATCCTTCAAACG-3'
Protein context (NP_004603.1, residues 368-388): APNHRVGTKR[Tyr378Cys]MAPEVLDDSI